The following is an entry in ClinVar:

ClinVar aggregate classification (germline): Uncertain significance (1 of 4 stars; one submission).

Conditions:
Ataxia-telangiectasia syndrome (AT). Also called: Ataxia-telangiectasia; LOUIS-BAR SYNDROME; Ataxia-telangiectasia, complementation group D; AT, COMPLEMENTATION GROUP C; ATAXIA-TELANGIECTASIA, COMPLEMENTATION GROUP A; ATAXIA-TELANGIECTASIA, FRESNO VARIANT. Identifiers: Orphanet 100, MedGen C0004135, MONDO:0008840, OMIM 208900.

Submission:

Labcorp Genetics (formerly Invitae), Labcorp
Classification: Uncertain significance for Ataxia-telangiectasia syndrome. Last evaluated: 2021-01-02. Review status: criteria provided, single submitter. Criteria: Invitae Variant Classification Sherloc (09022015). Collection method: clinical testing. Allele origin: germline.
Comment: In summary, the available evidence is currently insufficient to determine the role of this variant in disease. Therefore, it has been classified as a Variant of Uncertain Significance. Algorithms developed to predict the effect of missense changes on protein structure and function are either unavailable or do not agree on the potential impact of this missense change (SIFT: "Tolerated"; PolyPhen-2: "Possibly Damaging"; Align-GVGD: "Class C0"). This variant has not been reported in the literature in individuals with ATM-related conditions. This variant is not present in population databases (ExAC no frequency). This sequence change replaces isoleucine with leucine at codon 2899 of the ATM protein (p.Ile2899Leu). The isoleucine residue is moderately conserved and there is a small physicochemical difference between isoleucine and leucine.

NM_000051.4(ATM):c.8695A>C (p.Ile2899Leu)

Genes: ATM (ATM serine/threonine kinase; plus strand), C11orf65 (chromosome 11 open reading frame 65; minus strand). Cytogenetic location: 11q22.3.
Variant type: single nucleotide variant.
Coding change: c.8695A>C on transcript NM_000051.4 (MANE Select); coding-DNA position 8695, A replaced by C.
Protein change: p.Ile2899Leu; replaces isoleucine 2899 with leucine.
Molecular consequence: missense variant. On other transcripts: intron variant (2).
Genome position (GRCh38, 1-based): chr11:108,353,789, A>C. VCF-style: chr11-108353789-A-C. GRCh37 (hg19) VCF-style: chr11-108224516-A-C.
Other names: c.8695A>C, p.Ile2899Leu (NM_001351834.2); c.640+32131T>G (NM_001330368.2); c.695-18497T>G (NM_001351110.2); short protein forms I2899L.
Identifiers: ClinVar variation 1362074 (VCV001362074.8), dbSNP rs1591306598, ClinGen allele CA382523658.